The following is an entry in ClinVar:

ClinVar aggregate classification (germline): Likely benign. Review status: criteria provided, multiple submitters, no conflicts (2 of 4 stars). 2 submissions from 2 submitters: Likely benign (2). Last evaluated 2026-01-24.

Conditions:
ALG1-congenital disorder of glycosylation. Also called: ALG1-CDG; CONGENITAL DISORDER OF GLYCOSYLATION, TYPE Ik; CDG Ik. Identifiers: Orphanet 79327, MedGen C2931005, MONDO:0012052, OMIM 608540.

Allele frequency attached by ClinVar (database versions not stated): gnomAD exomes 0.00008; gnomAD 0.00010; ExAC 0.00015; TOPMed 0.00018; 1000 Genomes Project 0.00020; ESP Exome Variant Server 0.00023; 1000 Genomes Project 30x 0.00031.
gnomAD v4.1: 151 of 1,603,214 alleles (0.0094%); highest among the groups gnomAD compares: Non-Finnish European, 0.012%; no homozygotes.

Submissions (2):

Labcorp Genetics (formerly Invitae), Labcorp
Classification: Likely benign for ALG1-congenital disorder of glycosylation. Last evaluated: 2026-01-24. Review status: criteria provided, single submitter. Criteria: Invitae Variant Classification Sherloc (09022015). Collection method: clinical testing. Allele origin: germline.

GeneDx
Classification: Likely benign. Last evaluated: 2017-07-31. Review status: criteria provided, single submitter. Criteria: GeneDx Variant Classification (06012015). Collection method: clinical testing. Allele origin: germline. Affected: yes.
Comment: This variant is considered likely benign or benign based on one or more of the following criteria: it is a conservative change, it occurs at a poorly conserved position in the protein, it is predicted to be benign by multiple in silico algorithms, and/or has population frequency not consistent with disease.

NC_000016.10:g.5071885T>C

Genes: ALG1 (ALG1 chitobiosyldiphosphodolichol beta-mannosyltransferase; plus strand), LOC130058383 (ATAC-STARR-seq lymphoblastoid active region 10348; plus strand). Cytogenetic location: 16p13.3.
Variant type: single nucleotide variant.
Genome position: GRCh38 VCF-style: chr16-5071885-T-C. GRCh37 (hg19) VCF-style: chr16-5121886-T-C.
Identifiers: ClinVar variation 510977 (VCV000510977.9), dbSNP rs369180139, ClinGen allele CA7889648.